The following is an entry in ClinVar:

ClinVar aggregate classification (germline): Likely benign (1 of 4 stars; one submission).

Submission:

CeGaT Center for Human Genetics Tuebingen
Classification: Likely benign. Last evaluated: 2025-08-01. Review status: criteria provided, single submitter. Criteria: CeGaT Center For Human Genetics Tuebingen Variant Classification Criteria Version 2. Collection method: clinical testing. Allele origin: germline. Affected: yes. Observed: 1 variant allele.
Comment: PHOX2B: PM2:Supporting, BP4, BP7

NM_003924.4(PHOX2B):c.573C>T (p.Asp191=)

Gene: PHOX2B (paired like homeobox 2B; minus strand). Cytogenetic location: 4p13.
Variant type: single nucleotide variant.
Coding change: c.573C>T on transcript NM_003924.4 (MANE Select); coding-DNA position 573, C replaced by T.
Protein change: p.Asp191=; no amino-acid change (aspartic acid 191 retained).
Molecular consequence: synonymous variant.
Genome position (GRCh38, 1-based): chr4:41,746,179, G>A on the plus strand (C>T on the coding strand, the complement: PHOX2B is on the minus strand). VCF-style: chr4-41746179-G-A. GRCh37 (hg19) VCF-style: chr4-41748196-G-A.
Identifiers: ClinVar variation 4083931 (VCV004083931.8).